The following is an entry in ClinVar:

NM_000548.5(TSC2):c.3353A>T (p.Gln1118Leu)

Gene: TSC2 (TSC complex subunit 2; plus strand). Cytogenetic location: 16p13.3.
Variant type: single nucleotide variant.
Coding change: c.3353A>T on transcript NM_000548.5 (MANE Select); coding-DNA position 3353, A replaced by T.
Protein change: p.Gln1118Leu; replaces glutamine 1118 with leucine.
Molecular consequence: missense variant.
Genome position (GRCh38, 1-based): chr16:2,079,625, A>T. VCF-style: chr16-2079625-A-T. GRCh37 (hg19) VCF-style: chr16-2129626-A-T.
Other names: c.3353A>T, p.Gln1118Leu (NM_001114382.3); c.3113A>T, p.Gln1038Leu (NM_001318827.2); c.3077A>T, p.Gln1026Leu (NM_001318829.2); c.2621A>T, p.Gln874Leu (NM_001318831.2); c.3254A>T, p.Gln1085Leu (NM_001318832.2); c.3224A>T, p.Gln1075Leu (NM_001363528.2, NM_001370405.1, NM_021055.3); c.3221A>T, p.Gln1074Leu (NM_001370404.1, NM_001077183.3); short protein forms Q1026L, Q1038L, Q1074L, Q1075L, Q1085L, Q1118L, Q874L.
Identifiers: ClinVar variation 1020115 (VCV001020115.9), dbSNP rs2089877003, ClinGen allele CA394286653.

ClinVar aggregate classification (germline): Uncertain significance (1 of 4 stars; one submission).

Conditions:
Tuberous sclerosis 2 (TSC2). Identifiers: Orphanet 805, MedGen C1860707, MONDO:0013199, OMIM 613254.

Submission:

Labcorp Genetics (formerly Invitae), Labcorp
Classification: Uncertain significance for Tuberous sclerosis 2. Last evaluated: 2020-01-21. Review status: criteria provided, single submitter. Criteria: Invitae Variant Classification Sherloc (09022015). Collection method: clinical testing. Allele origin: germline.
Comment: In summary, the available evidence is currently insufficient to determine the role of this variant in disease. Therefore, it has been classified as a Variant of Uncertain Significance. Algorithms developed to predict the effect of missense changes on protein structure and function are either unavailable or do not agree on the potential impact of this missense change (SIFT: "Deleterious"; PolyPhen-2: "Benign"; Align-GVGD: "Class C0"). This variant has not been reported in the literature in individuals with TSC2-related conditions. This variant is not present in population databases (ExAC no frequency). This sequence change replaces glutamine with leucine at codon 1118 of the TSC2 protein (p.Gln1118Leu). The glutamine residue is moderately conserved and there is a moderate physicochemical difference between glutamine and leucine.